The following is an entry in ClinVar:

ClinVar aggregate classification (germline): Conflicting classifications of pathogenicity. Review status: criteria provided, conflicting classifications (1 of 4 stars). 4 submissions from 4 submitters: Uncertain significance (1); Likely benign (3). Last evaluated 2026-01-01.

Conditions:
Spastic paraplegia. Identifiers: MedGen C0037772, HP:0001258.
Inborn genetic diseases. Identifiers: MedGen C0950123, MeSH D030342.

Submissions (4):

Labcorp Genetics (formerly Invitae), Labcorp
Classification: Likely benign for Spastic paraplegia. Last evaluated: 2026-01-01. Review status: criteria provided, single submitter. Criteria: Invitae Variant Classification Sherloc (09022015). Collection method: clinical testing. Allele origin: germline.

CeGaT Center for Human Genetics Tuebingen
Classification: Likely benign. Last evaluated: 2024-08-01. Review status: criteria provided, single submitter. Criteria: CeGaT Center For Human Genetics Tuebingen Variant Classification Criteria Version 2. Collection method: clinical testing. Allele origin: germline. Affected: yes. Observed: 1 variant allele.
Comment: KIF5A: BP4, BS1

Blueprint Genetics
Classification: Likely benign. Last evaluated: 2024-06-21. Review status: criteria provided, single submitter. Criteria: ACMG Guidelines, 2015. Collection method: clinical testing. Allele origin: germline.

Ambry Genetics
Classification: Uncertain significance for Inborn genetic diseases. Last evaluated: 2022-10-05. Review status: criteria provided, single submitter. Criteria: Ambry Variant Classification Scheme 2023. Collection method: clinical testing. Allele origin: germline.

NM_004984.4(KIF5A):c.1176G>C (p.Glu392Asp)

Gene: KIF5A (kinesin family member 5A; plus strand). Cytogenetic location: 12q13.3.
Variant type: single nucleotide variant.
Coding change: c.1176G>C on transcript NM_004984.4 (MANE Select); coding-DNA position 1176, G replaced by C.
Protein change: p.Glu392Asp; replaces glutamic acid 392 with aspartic acid.
Molecular consequence: missense variant.
Genome position (GRCh38, 1-based): chr12:57,570,045, G>C. VCF-style: chr12-57570045-G-C. GRCh37 (hg19) VCF-style: chr12-57963828-G-C.
Other names: c.909G>C, p.Glu303Asp (NM_001354705.2); c.1176G>C (NM_004984.2); short protein forms E303D, E392D.
Identifiers: ClinVar variation 1408153 (VCV001408153.24), dbSNP rs75907338, ClinGen allele CA6652783.